The following is an entry in ClinVar:

NM_000361.3(THBD):c.1030C>G (p.Gln344Glu)

Gene: THBD (thrombomodulin; minus strand). Cytogenetic location: 20p11.21.
Variant type: single nucleotide variant.
Coding change: c.1030C>G on transcript NM_000361.3 (MANE Select); coding-DNA position 1030, C replaced by G.
Protein change: p.Gln344Glu; replaces glutamine 344 with glutamic acid.
Molecular consequence: missense variant.
Genome position (GRCh38, 1-based): chr20:23,048,475, G>C on the plus strand (C>G on the coding strand, the complement: THBD is on the minus strand). VCF-style: chr20-23048475-G-C. GRCh37 (hg19) VCF-style: chr20-23029112-G-C.
Other names: c.1030C>G (NM_000361.2); short protein forms Q344E.
Identifiers: ClinVar variation 1418415 (VCV001418415.11), dbSNP rs376845574, ClinGen allele CA9787637.
Genomic context (GRCh38, chr20:23,048,475, plus strand): 5'-CCACACACTCGCCGTCCACCAGGTCGTAGTTAGGGTAGCAGTGGCACTCGAAGCCACCCT[G>C]TGTGTTGACACAGCGCTGCGGACACGGACTGGGCTCCAGTATGCAGTCATCCACGTCCTC-3'
Protein context (NP_000352.1, residues 334-354): SPCPQRCVNT[Gln344Glu]GGFECHCYPN

ClinVar aggregate classification (germline): Uncertain significance. Review status: criteria provided, multiple submitters, no conflicts (2 of 4 stars). 4 submissions from 4 submitters: Uncertain significance (3). 1 of the submissions does not count toward it. Last evaluated 2025-03-25.

Conditions:
THBD-related disorder. Also called: THBD-related condition.
Inborn genetic diseases. Identifiers: MedGen C0950123, MeSH D030342.
Thrombomodulin-related bleeding disorder (THPH12). Also called: Thrombophilia due to thrombomodulin defect. Identifiers: Orphanet 436169, MedGen C3280976, MONDO:0013775, OMIM 614486.
Atypical hemolytic-uremic syndrome with thrombomodulin anomaly. Also called: HEMOLYTIC UREMIC SYNDROME, ATYPICAL, SUSCEPTIBILITY TO, 6; AHUS, SUSCEPTIBILITY TO, 6. Identifiers: MedGen C2752036, MONDO:0013044, OMIM 612926. Disease mechanism: gain of function.

Allele frequency attached by ClinVar (database versions not stated): ESP Exome Variant Server 0.00008.

Submissions (4):

Labcorp Genetics (formerly Invitae), Labcorp
Classification: Uncertain significance. Last evaluated: 2025-03-25. Review status: criteria provided, single submitter. Criteria: Invitae Variant Classification Sherloc (09022015). Collection method: clinical testing. Allele origin: germline.
Comment: This sequence change replaces glutamine, which is neutral and polar, with glutamic acid, which is acidic and polar, at codon 344 of the THBD protein (p.Gln344Glu). This variant is present in population databases (rs376845574, gnomAD 0.01%). This variant has not been reported in the literature in individuals affected with THBD-related conditions. ClinVar contains an entry for this variant (Variation ID: 1418415). Invitae Evidence Modeling of protein sequence and biophysical properties (such as structural, functional, and spatial information, amino acid conservation, physicochemical variation, residue mobility, and thermodynamic stability) indicates that this missense variant is not expected to disrupt THBD protein function with a negative predictive value of 80%. In summary, the available evidence is currently insufficient to determine the role of this variant in disease. Therefore, it has been classified as a Variant of Uncertain Significance.

Ambry Genetics
Classification: Uncertain significance for Inborn genetic diseases. Last evaluated: 2023-03-01. Review status: criteria provided, single submitter. Criteria: Ambry Variant Classification Scheme 2023. Collection method: clinical testing. Allele origin: germline.

Fulgent Genetics
Classification: Uncertain significance for Atypical hemolytic-uremic syndrome with thrombomodulin anomaly; Thrombomodulin-related bleeding disorder. Last evaluated: 2022-01-18. Review status: criteria provided, single submitter. Criteria: ACMG Guidelines, 2015. Collection method: clinical testing. Allele origin: unknown.

PreventionGenetics, part of Exact Sciences
Classification: Uncertain significance for THBD-related condition. Last evaluated: 2024-07-31. Review status: no assertion criteria provided. Collection method: clinical testing. Allele origin: germline. Not counted in ClinVar's aggregate classification.
Comment: The THBD c.1030C>G variant is predicted to result in the amino acid substitution p.Gln344Glu. To our knowledge, this variant has not been reported in the literature. This variant is reported in 0.011% of alleles in individuals of European (Non-Finnish) descent in gnomAD At this time, the clinical significance of this variant is uncertain due to the absence of conclusive functional and genetic evidence.